The following is an entry in ClinVar:

ClinVar aggregate classification (germline): Likely pathogenic (1 of 4 stars; one submission).

Conditions:
Dilated cardiomyopathy 1G (CMD1G). Identifiers: Orphanet 154, MedGen C1858763, MONDO:0011400, OMIM 604145.
Autosomal recessive limb-girdle muscular dystrophy type 2J (LGMDR10). Also called: Limb-girdle muscular dystrophy, type 2J; MUSCULAR DYSTROPHY, LIMB-GIRDLE, AUTOSOMAL RECESSIVE 10. Identifiers: Orphanet 140922, MedGen C1837342, MONDO:0012127, OMIM 608807.

Submission:

Labcorp Genetics (formerly Invitae), Labcorp
Classification: Likely pathogenic for Dilated cardiomyopathy 1G; Autosomal recessive limb-girdle muscular dystrophy type 2J. Last evaluated: 2024-05-26. Review status: criteria provided, single submitter. Criteria: Invitae Variant Classification Sherloc (09022015). Collection method: clinical testing. Allele origin: germline.
Comment: This sequence change creates a premature translational stop signal (p.Ser31319*) in the TTN gene. While this is not anticipated to result in nonsense mediated decay, it is expected to create a truncated TTN protein. This variant is not present in population databases (gnomAD no frequency). This variant has not been reported in the literature in individuals affected with TTN-related conditions. ClinVar contains an entry for this variant (Variation ID: 1471320). This variant is located in the A band of TTN (PMID: 25589632). Truncating variants in this region are significantly overrepresented in patients affected with dilated cardiomyopathy (PMID: 25589632). Truncating variants in this region have also been reported in individuals affected with autosomal recessive centronuclear myopathy (PMID: 23975875). In summary, the currently available evidence indicates that the variant is pathogenic, but additional data are needed to prove that conclusively. Therefore, this variant has been classified as Likely Pathogenic.

Literature cited by the submitters: PubMed 25589632; PubMed 23975875.

NM_001267550.2(TTN):c.93956C>A (p.Ser31319Ter)

Genes: TTN-AS1 (TTN antisense RNA 1; plus strand), TTN (titin; minus strand). Cytogenetic location: 2q31.2.
Variant type: single nucleotide variant.
Coding change: c.93956C>A on transcript NM_001267550.2 (MANE Select); coding-DNA position 93956, C replaced by A.
Protein change: p.Ser31319Ter; replaces serine 31319 with a stop codon.
Molecular consequence: nonsense.
Genome position (GRCh38, 1-based): chr2:178,547,670, G>T on the plus strand (C>A on the coding strand, the complement: TTN is on the minus strand). VCF-style: chr2-178547670-G-T. GRCh37 (hg19) VCF-style: chr2-179412397-G-T.
Other names: c.89033C>A, p.Ser29678Ter (NM_001256850.1); c.66761C>A, p.Ser22254Ter (NM_003319.4); c.86252C>A, p.Ser28751Ter (NM_133378.4); c.67136C>A, p.Ser22379Ter (NM_133432.3); c.67337C>A, p.Ser22446Ter (NM_133437.4); short protein forms S22446*, S28751*, S22379*, S31319*, S22254*, S29678*.
Identifiers: ClinVar variation 1471320 (VCV001471320.8), dbSNP rs2154146843, ClinGen allele CA349479265.